The following is an entry in ClinVar:

NM_000104.4(CYP1B1):c.1020G>T (p.Gln340His)

Gene: CYP1B1 (cytochrome P450 family 1 subfamily B member 1; minus strand). Cytogenetic location: 2p22.2.
Variant type: single nucleotide variant.
Coding change: c.1020G>T on transcript NM_000104.4 (MANE Select); coding-DNA position 1020, G replaced by T.
Protein change: p.Gln340His; replaces glutamine 340 with histidine.
Molecular consequence: missense variant.
Genome position (GRCh38, 1-based): chr2:38,074,369, C>A on the plus strand (G>T on the coding strand, the complement: CYP1B1 is on the minus strand). VCF-style: chr2-38074369-C-A. GRCh37 (hg19) VCF-style: chr2-38301512-C-A.
Other names: NM_000104.4:c.1020G>T; short protein forms Q340H.
Identifiers: ClinVar variation 5018480 (VCV005018480.1).

ClinVar aggregate classification (germline): Uncertain significance (3 of 4 stars; one submission).

Conditions:
CYP1B1-related glaucoma with or without anterior segment dysgenesis. Identifiers: MedGen CN375931, MONDO:0800472.

Submission:

ClinGen Glaucoma Variant Curation Expert Panel
Classification: Uncertain significance for CYP1B1-related glaucoma with or without anterior segment dysgenesis. Last evaluated: 2026-10-12. Review status: reviewed by expert panel. Criteria: ClinGen Glaucoma ACMG Specifications CYP1B1 V2.0. Collection method: curation. Allele origin: germline. Inheritance: Autosomal recessive inheritance.
Comment: The c.1020G>T variant in CYP1B1 is a missense variant predicted to cause substitution of Glutamine by Histidine at amino acid 340 (p.Gln340His). This missense variant is located in the I-helix, meeting PM1_Supporting. This variant was not found in any genetic ancestry group of gnomAD (v4.1), meeting the ≤ 0.0005 threshold set for PM2_Supporting in a genetic ancestry group of at least 2,000 alleles. The REVEL score = 0.086, which was within the 0.017-0.183 range for BP4_Moderate and this variant was not predicted to affect splicing, as assessed with SpliceAI (≤ 0.1), suggesting that the variant does not impact CYP1B1 function. There was no functional evidence predicting a damaging or benign impact of this variant on CYP1B1 function. This variant has been identified in an individual with a CYP1B1-related phenotype, however BP4 is met, therefore PM3 was not assessed. In summary, this variant met the criteria to receive a score of 0 and to be classified as a variant of uncertain significance (uncertain significance classification range -1 to 5, adapted from PMID: 32720330) for CYP1B1-related glaucoma with or without anterior segment dysgenesis (ASD) based on the ACMG/AMP criteria met, as specified by the ClinGen Glaucoma VCEP (v2.0, 16.07.2026): PM1_Supporting, PM2_Supporting, BP4_Moderate.